The following is an entry in ClinVar:

ClinVar aggregate classification (germline): Uncertain significance (1 of 4 stars; one submission).

Submission:

GeneDx
Classification: Uncertain significance. Last evaluated: 2023-01-19. Review status: criteria provided, single submitter. Criteria: GeneDx Variant Classification Process June 2021. Collection method: clinical testing. Allele origin: germline. Affected: yes.
Comment: Not observed at significant frequency in large population cohorts (gnomAD); In silico analysis supports that this missense variant does not alter protein structure/function; Has not been previously published as pathogenic or benign to our knowledge

NM_001162501.2(TNRC6B):c.235C>A (p.Gln79Lys)

Gene: TNRC6B (trinucleotide repeat containing adaptor 6B; plus strand). Cytogenetic location: 22q13.1.
Variant type: single nucleotide variant.
Coding change: c.235C>A on transcript NM_001162501.2 (MANE Select); coding-DNA position 235, C replaced by A.
Protein change: p.Gln79Lys; replaces glutamine 79 with lysine.
Molecular consequence: missense variant.
Genome position (GRCh38, 1-based): chr22:40,261,951, C>A. VCF-style: chr22-40261951-C-A. GRCh37 (hg19) VCF-style: chr22-40657955-C-A.
Other names: c.343C>A, p.Gln115Lys (NM_001024843.2); c.235C>A, p.Gln79Lys (NM_015088.3); short protein forms Q115K, Q79K.
Identifiers: ClinVar variation 2573968 (VCV002573968.1), dbSNP rs2517980537, ClinGen allele CA411626238.